The following is an entry in ClinVar:

ClinVar aggregate classification (germline): Likely pathogenic (1 of 4 stars; one submission).

Conditions:
Spongy degeneration of central nervous system. Also called: ACY2 DEFICIENCY; AMINOACYLASE 2 DEFICIENCY; ASP DEFICIENCY; ASPA DEFICIENCY; ASPARTOACYLASE DEFICIENCY; CANAVAN-VAN BOGAERT-BERTRAND DISEASE. Identifiers: Orphanet 141, MedGen C0206307, MONDO:0010079, OMIM 271900.

Submission:

Labcorp Genetics (formerly Invitae), Labcorp
Classification: Likely pathogenic for Spongy degeneration of central nervous system. Last evaluated: 2023-02-01. Review status: criteria provided, single submitter. Criteria: Invitae Variant Classification Sherloc (09022015). Collection method: clinical testing. Allele origin: germline.
Comment: This variant disrupts the p.Ala287 amino acid residue in ASPA. Other variant(s) that disrupt this residue have been determined to be pathogenic (PMID: 12638939, 16854607, 26992473). This suggests that this residue is clinically significant, and that variants that disrupt this residue are likely to be disease-causing. This sequence change replaces alanine, which is neutral and non-polar, with valine, which is neutral and non-polar, at codon 287 of the ASPA protein (p.Ala287Val). This variant is not present in population databases (gnomAD no frequency). This variant has not been reported in the literature in individuals affected with ASPA-related conditions. Advanced modeling of protein sequence and biophysical properties (such as structural, functional, and spatial information, amino acid conservation, physicochemical variation, residue mobility, and thermodynamic stability) performed at Invitae indicates that this missense variant is expected to disrupt ASPA protein function. In summary, the currently available evidence indicates that the variant is pathogenic, but additional data are needed to prove that conclusively. Therefore, this variant has been classified as Likely Pathogenic.

Literature cited by the submitters: PubMed 12638939; PubMed 16854607; PubMed 26992473.

NM_000049.4(ASPA):c.860C>T (p.Ala287Val)

Genes: ASPA (aspartoacylase; plus strand), SPATA22 (spermatogenesis associated 22; minus strand). Cytogenetic location: 17p13.2.
Variant type: single nucleotide variant.
Coding change: c.860C>T on transcript NM_000049.4 (MANE Select); coding-DNA position 860, C replaced by T.
Protein change: p.Ala287Val; replaces alanine 287 with valine.
Molecular consequence: missense variant. On other transcripts: intron variant (2).
Genome position (GRCh38, 1-based): chr17:3,499,006, C>T. VCF-style: chr17-3499006-C-T. GRCh37 (hg19) VCF-style: chr17-3402300-C-T.
Other names: c.860C>T, p.Ala287Val (NM_001128085.1); c.-74+14406G>A (NM_001321336.2, NM_001321337.2); short protein forms A287V.
Identifiers: ClinVar variation 2907869 (VCV002907869.3), dbSNP rs2543658121, ClinGen allele CA397687729.